The following is an entry in ClinVar:

GRCh38/hg38 22q11.21(chr22:18339130-21151128)x3

Genes: AIFM3 (AIF family member 3; plus strand), ARVCF (ARVCF delta catenin family member; minus strand), C22orf39 (chromosome 22 open reading frame 39; minus strand), CCDC188 (coiled-coil domain containing 188; minus strand), CDC45 (cell division cycle 45; plus strand) and 185 more. Cytogenetic location: 22q11.21.
Variant type: copy number gain.
Change: copy number 3 (three copies instead of two) of chr22:18,339,130-21,151,128 (2.81 Mb, GRCh38 coordinates, 1-based), cytogenetic band 22q11.21.
Identifiers: ClinVar variation 58190 (VCV000058190.2).

ClinVar aggregate classification (germline): Pathogenic (1 of 4 stars; one submission).

Submission:

ISCA Site 6
Classification: Pathogenic. Last evaluated: 2011-08-12. Review status: criteria provided, single submitter. Criteria: Kaminsky et al. (Genet Med. 2011). Collection method: clinical testing. Allele origin: biparental. Affected: yes. Observed: 1 variant allele.
Comment: Copy number variation identified through the course of routine clinical cytogenomic testing in postnatal populations. Clinical assertions have been curated as described in Kaminsky et al. 2011.